The following is an entry in ClinVar:

NM_007194.4(CHEK2):c.1154G>T (p.Cys385Phe)

Gene: CHEK2 (checkpoint kinase 2; minus strand). Cytogenetic location: 22q12.1.
Variant type: single nucleotide variant.
Coding change: c.1154G>T on transcript NM_007194.4 (MANE Select); coding-DNA position 1154, G replaced by T.
Protein change: p.Cys385Phe; replaces cysteine 385 with phenylalanine.
Molecular consequence: missense variant.
Genome position (GRCh38, 1-based): chr22:28,695,815, C>A on the plus strand (G>T on the coding strand, the complement: CHEK2 is on the minus strand). VCF-style: chr22-28695815-C-A. GRCh37 (hg19) VCF-style: chr22-29091803-C-A.
Other names: c.1283G>T, p.Cys428Phe (NM_001005735.3); c.491G>T, p.Cys164Phe (NM_001257387.3); c.953G>T, p.Cys318Phe (NM_001349956.3); c.1067G>T, p.Cys356Phe (NM_145862.3); short protein forms C385F, C164F, C428F, C356F, C318F.
Identifiers: ClinVar variation 234840 (VCV000234840.9), dbSNP rs145324174, ClinGen allele CA10577637.

ClinVar aggregate classification (germline): Uncertain significance. Review status: criteria provided, multiple submitters, no conflicts (2 of 4 stars). 4 submissions from 4 submitters: Uncertain significance (4). Last evaluated 2025-10-25.

Conditions:
Hereditary cancer-predisposing syndrome. Also called: Hereditary neoplastic syndrome; Hereditary Cancer Syndrome; Neoplastic Syndromes, Hereditary; Tumor predisposition. Identifiers: Orphanet 140162, MedGen C0027672, MeSH D009386, MONDO:0015356.
Familial cancer of breast. Also called: BREAST CANCER, FAMILIAL; hereditary breast carcinoma; Hereditary breast cancer. Identifiers: Orphanet 227535, MedGen C0346153, MONDO:0016419, OMIM 114480. Disease mechanism: loss of function.

Submissions (4):

Ambry Genetics
Classification: Uncertain significance for Hereditary cancer-predisposing syndrome. Last evaluated: 2025-10-25. Review status: criteria provided, single submitter. Criteria: Ambry Variant Classification Scheme 2023. Collection method: clinical testing. Allele origin: germline.
Comment: The p.C385F variant (also known as c.1154G>T), located in coding exon 10 of the CHEK2 gene, results from a G to T substitution at nucleotide position 1154. The cysteine at codon 385 is replaced by phenylalanine, an amino acid with highly dissimilar properties. This amino acid position is conserved. In addition, this alteration is predicted to be deleterious by in silico analysis. Since supporting evidence is limited at this time, the clinical significance of this alteration remains unclear.

Labcorp Genetics (formerly Invitae), Labcorp
Classification: Uncertain significance for Familial cancer of breast. Last evaluated: 2025-03-21. Review status: criteria provided, single submitter. Criteria: Invitae Variant Classification Sherloc (09022015). Collection method: clinical testing. Allele origin: germline.
Comment: This sequence change replaces cysteine, which is neutral and slightly polar, with phenylalanine, which is neutral and non-polar, at codon 385 of the CHEK2 protein (p.Cys385Phe). This variant is not present in population databases (gnomAD no frequency). This variant has not been reported in the literature in individuals affected with CHEK2-related conditions. ClinVar contains an entry for this variant (Variation ID: 234840). An algorithm developed to predict the effect of missense changes on protein structure and function (PolyPhen-2) suggests that this variant is likely to be disruptive. In summary, the available evidence is currently insufficient to determine the role of this variant in disease. Therefore, it has been classified as a Variant of Uncertain Significance.

Color Diagnostics, LLC DBA Color Health
Classification: Uncertain significance for Hereditary cancer-predisposing syndrome. Last evaluated: 2018-08-01. Review status: criteria provided, single submitter. Criteria: ACMG Guidelines, 2015. Collection method: clinical testing. Allele origin: germline.

GeneDx
Classification: Uncertain significance. Last evaluated: 2016-02-18. Review status: criteria provided, single submitter. Criteria: GeneDx Variant Classification (06012015). Collection method: clinical testing. Allele origin: germline. Affected: yes.
Comment: This variant is denoted CHEK2 c.1154G>T at the cDNA level, p.Cys385Phe (C385F) at the protein level, and results in the change of a Cysteine to a Phenylalanine (TGT>TTT). This variant has not, to our knowledge, been published in the literature as pathogenic or benign. CHEK2 Cys385Phe was not observed in approximately 6,500 individuals of European and African American ancestry in the NHLBI Exome Sequencing Project, suggesting it is not a common benign variant in these populations. Since Cysteine and Phenylalanine differ in polarity, charge, size or other properties, this is considered a non-conservative amino acid substitution. CHEK2 Cys385Phe occurs at a position that is conserved across species and is located in the kinase domain (Roeb 2012). In silico analyses predict that this variant is probably damaging to protein structure and function. Based on currently available evidence, it is unclear whether CHEK2 Cys385Phe is a pathogenic or benign variant. We consider it to be a variant of uncertain significance.